The following is an entry in ClinVar:

ClinVar aggregate classification (germline): Likely pathogenic (1 of 4 stars; one submission).

Conditions:
Idiopathic basal ganglia calcification 1 (PFBC1A). Also called: Fahr's syndrome; Cerebral calcification nonarteriosclerotic idiopathic adult-onset; Striopallidodentate calcinosis autosomal dominant adult-onset; Ferrocalcinosis, cerebrovascular; Fahr disease, familial (formerly); Familial Idiopathic Basal Ganglia Calcification 3. Identifiers: Orphanet 1980, MedGen C4551624, MONDO:0024538, OMIM 213600.

Submission:

Clinical Genetics Laboratory, Skane University Hospital Lund
Classification: Likely pathogenic for Idiopathic basal ganglia calcification 1. Last evaluated: 2025-03-24. Review status: criteria provided, single submitter. Criteria: ACMG Guidelines, 2015. Collection method: clinical testing. Allele origin: germline. Affected: yes.
Comment: ACMG-criteria used: PVS1, PM2.

NM_001257180.2(SLC20A2):c.1220C>A (p.Ser407Ter)

Gene: SLC20A2 (solute carrier family 20 member 2; minus strand). Cytogenetic location: 8p11.21.
Variant type: single nucleotide variant.
Coding change: c.1220C>A on transcript NM_001257180.2 (MANE Select); coding-DNA position 1220, C replaced by A.
Protein change: p.Ser407Ter; replaces serine 407 with a stop codon.
Molecular consequence: nonsense.
Genome position (GRCh38, 1-based): chr8:42,437,292, G>T on the plus strand (C>A on the coding strand, the complement: SLC20A2 is on the minus strand). VCF-style: chr8-42437292-G-T. GRCh37 (hg19) VCF-style: chr8-42294810-G-T.
Other names: c.1220C>A, p.Ser407Ter (NM_001257181.2, NM_006749.5); short protein forms S407*.
Identifiers: ClinVar variation 3773640 (VCV003773640.1).
Genomic context (GRCh38, chr8:42,437,292, plus strand): 5'-CTCTTCTTGGAGTAGGACACGGTGTCGCCCACCAGCTTCTCACTGTCCTCTGGGGCCGAT[G>T]AGTCCGCAGCTCGAAAGGTGGCGTGCACTGGCAGCCCACAAATGGCTGCGGTGTAGCAGG-3'